The following is an entry in ClinVar:

ClinVar aggregate classification (germline): Uncertain significance (1 of 4 stars; one submission).

Conditions:
Joubert syndrome 21 (JBTS21). Identifiers: MedGen C3810212, MONDO:0014288, OMIM 615636.

gnomAD v4.1: 26 of 1,613,278 alleles (0.0016%); highest among the groups gnomAD compares: Non-Finnish European, 0.002%; no homozygotes.

Submission:

Labcorp Genetics (formerly Invitae), Labcorp
Classification: Uncertain significance for Joubert syndrome 21. Last evaluated: 2022-06-28. Review status: criteria provided, single submitter. Criteria: Invitae Variant Classification Sherloc (09022015). Collection method: clinical testing. Allele origin: germline.
Comment: This sequence change affects the initiator methionine of the CSPP1 mRNA. The next in-frame methionine is located at codon 37. This variant is not present in population databases (gnomAD no frequency). This variant has not been reported in the literature in individuals affected with CSPP1-related conditions. Experimental studies and prediction algorithms are not available or were not evaluated, and the functional significance of this variant is currently unknown. In summary, the available evidence is currently insufficient to determine the role of this variant in disease. Therefore, it has been classified as a Variant of Uncertain Significance.

NM_001382391.1(CSPP1):c.-150A>T

Gene: CSPP1 (centrosome and spindle pole associated protein 1; plus strand). Cytogenetic location: 8q13.1.
Variant type: single nucleotide variant.
Coding change: c.-150A>T on transcript NM_001382391.1 (MANE Select); 150 bases upstream of the start codon, A replaced by T.
Molecular consequence: 5 prime UTR variant. On other transcripts: missense variant (3), initiator codon variant (2).
Genome position (GRCh38, 1-based): chr8:67,064,399, A>T. VCF-style: chr8-67064399-A-T. GRCh37 (hg19) VCF-style: chr8-67976634-A-T.
Other names: c.-150A>T (NM_001363131.2, NM_001363132.2, NM_001363133.2); c.1A>T, p.Met1Leu (NM_001364869.1, NM_001364870.1, NM_024790.7); short protein forms M1L.
Identifiers: ClinVar variation 2081520 (VCV002081520.2), dbSNP rs370569030, ClinGen allele CA371208377.